The following is an entry in ClinVar:

ClinVar aggregate classification (germline): Uncertain significance (1 of 4 stars; one submission).

Allele frequency attached by ClinVar (database versions not stated): TOPMed 0.00004.
gnomAD v4.1: 37 of 1,613,980 alleles (0.0023%); highest among the groups gnomAD compares: Admixed American, 0.055%; no homozygotes.

Submission:

Labcorp Genetics (formerly Invitae), Labcorp
Classification: Uncertain significance. Last evaluated: 2025-12-15. Review status: criteria provided, single submitter. Criteria: Invitae Variant Classification Sherloc (09022015). Collection method: clinical testing. Allele origin: germline.
Comment: This sequence change replaces tryptophan, which is neutral and slightly polar, with cysteine, which is neutral and slightly polar, at codon 339 of the SGMS2 protein (p.Trp339Cys). This variant is present in population databases (rs757939915, gnomAD 0.06%), and has an allele count higher than expected for a pathogenic variant. This variant has not been reported in the literature in individuals affected with SGMS2-related conditions. ClinVar contains an entry for this variant (Variation ID: 2173618). Invitae Evidence Modeling of protein sequence and biophysical properties (such as structural, functional, and spatial information, amino acid conservation, physicochemical variation, residue mobility, and thermodynamic stability) indicates that this missense variant is not expected to disrupt SGMS2 protein function with a negative predictive value of 80%. In summary, the available evidence is currently insufficient to determine the role of this variant in disease. Therefore, it has been classified as a Variant of Uncertain Significance.

NM_001375905.1(SGMS2):c.1017G>C (p.Trp339Cys)

Genes: CYP2U1-AS1 (CYP2U1 and SGMS2 antisense RNA 1; minus strand), SGMS2 (sphingomyelin synthase 2; plus strand). Cytogenetic location: 4q25.
Variant type: single nucleotide variant.
Coding change: c.1017G>C on transcript NM_001375905.1 (MANE Select); coding-DNA position 1017, G replaced by C.
Protein change: p.Trp339Cys; replaces tryptophan 339 with cysteine.
Molecular consequence: missense variant. On other transcripts: 3 prime UTR variant (1).
Genome position (GRCh38, 1-based): chr4:107,910,472, G>C. VCF-style: chr4-107910472-G-C. GRCh37 (hg19) VCF-style: chr4-108831628-G-C.
Other names: c.1017G>C, p.Trp339Cys (NM_001136257.2, NM_001136258.2, NM_001375906.1 and 3 more transcripts); c.*121G>C (NM_001375910.1); c.498G>C, p.Trp166Cys (NM_001375911.1); short protein forms W166C, W339C.
Identifiers: ClinVar variation 2173618 (VCV002173618.4), dbSNP rs757939915, ClinGen allele CA3036916.